The following is an entry in ClinVar:

ClinVar aggregate classification (germline): Uncertain significance (1 of 4 stars; one submission).

Conditions:
Schizencephaly. Identifiers: Orphanet 799, MedGen C0266484, MONDO:0010011, OMIM 269160, HP:0010636.

Allele frequency attached by ClinVar (database versions not stated): TOPMed below 0.00001; gnomAD 0.00001; gnomAD exomes 0.00001.

Submission:

Centre for Mendelian Genomics, University Medical Centre Ljubljana
Classification: Uncertain significance for Schizencephaly. Last evaluated: 2016-01-01. Review status: criteria provided, single submitter. Criteria: ACMG Guidelines, 2015. Collection method: clinical testing. Allele origin: unknown. Affected: yes.
Comment: This variant was classified as: Uncertain significance. The following ACMG criteria were applied in classifying this variant: PM2,PP2,BP4.

NM_005413.4(SIX3):c.208T>C (p.Ser70Pro)

Gene: SIX3 (SIX homeobox 3; plus strand). Cytogenetic location: 2p21.
Variant type: single nucleotide variant.
Coding change: c.208T>C on transcript NM_005413.4 (MANE Select); coding-DNA position 208, T replaced by C.
Protein change: p.Ser70Pro; replaces serine 70 with proline.
Molecular consequence: missense variant.
Genome position (GRCh38, 1-based): chr2:44,942,312, T>C. VCF-style: chr2-44942312-T-C. GRCh37 (hg19) VCF-style: chr2-45169451-T-C.
Other names: short protein forms S70P.
Identifiers: ClinVar variation 931003 (VCV000931003.3), dbSNP rs1314811261, ClinGen allele CA346799084.
Genomic context (GRCh38, chr2:44,942,312, plus strand): 5'-GGCGGGAACGGTGCGGGAGGCGGCGGTGCTGGCGGAGCAGGCGGCGGCGGCGGCGGCGGC[T>C]CCAGGGCCCCCCCGGAAGAGTTGTCCATGTTCCAGCTGCCCACCCTCAACTTCTCGCCGG-3'
Protein context (NP_005404.1, residues 60-80): GGAGGGGGGG[Ser70Pro]RAPPEELSMF